The following is an entry in ClinVar:

NM_004970.3(IGFALS):c.1195G>A (p.Gly399Arg)

Gene: IGFALS (insulin like growth factor binding protein acid labile subunit; minus strand). Cytogenetic location: 16p13.3.
Variant type: single nucleotide variant.
Coding change: c.1195G>A on transcript NM_004970.3 (MANE Select); coding-DNA position 1195, G replaced by A.
Protein change: p.Gly399Arg; replaces glycine 399 with arginine.
Molecular consequence: missense variant. On other transcripts: non-coding transcript variant (1).
Genome position (GRCh38, 1-based): chr16:1,791,223, C>T on the plus strand (G>A on the coding strand, the complement: IGFALS is on the minus strand). VCF-style: chr16-1791223-C-T. GRCh37 (hg19) VCF-style: chr16-1841224-C-T.
Other names: c.1309G>A, p.Gly437Arg (NM_001146006.2); short protein forms G399R, G437R.
Identifiers: ClinVar variation 318243 (VCV000318243.31), dbSNP rs35128702, ClinGen allele CA7820372.
Genomic context (GRCh38, chr16:1,791,223, plus strand): 5'-CCTTGAGGAAGAGTCGGCGGAGCCCCGAGAGGCCGGTGAAGGTGTGCGGGCGGATGCGTC[C>T]CAGGCAGCTGCCCTCCAGGTGCAGGCTGTGCAGCTTGCCCAGGCCCCGGAACACCTGCTC-3'
Protein context (NP_004961.1, residues 389-409): HSLHLEGSCL[Gly399Arg]RIRPHTFTGL

ClinVar aggregate classification (germline): Conflicting classifications of pathogenicity. Review status: criteria provided, conflicting classifications (1 of 4 stars). 3 submissions from 3 submitters: Uncertain significance (2); Likely benign (1). Last evaluated 2022-07-01.

Conditions:
Inborn genetic diseases. Identifiers: MedGen C0950123, MeSH D030342.
Short stature due to primary acid-labile subunit deficiency. Also called: Acid-labile subunit, deficiency of; Acid-labile subunit deficiency. Identifiers: Orphanet 140941, MedGen C3900122, MONDO:0014420, OMIM 615961.

Allele frequency attached by ClinVar (database versions not stated): 1000 Genomes Project 30x 0.00016; 1000 Genomes Project 0.00020; gnomAD 0.00023 and 0.00024; gnomAD exomes 0.00026 and 0.00043; ExAC 0.00027; TOPMed 0.00028; ESP Exome Variant Server 0.00038.

Submissions (3):

CeGaT Center for Human Genetics Tuebingen
Classification: Likely benign. Last evaluated: 2022-07-01. Review status: criteria provided, single submitter. Criteria: CeGaT Center For Human Genetics Tuebingen Variant Classification Criteria Version 2. Collection method: clinical testing. Allele origin: germline. Affected: yes. Observed: 1 variant allele.
Comment: IGFALS: BP4

Ambry Genetics
Classification: Uncertain significance for Inborn genetic diseases. Last evaluated: 2021-08-10. Review status: criteria provided, single submitter. Criteria: Ambry Variant Classification Scheme 2023. Collection method: clinical testing. Allele origin: germline.

Illumina Laboratory Services, Illumina
Classification: Uncertain significance for Short stature due to primary acid-labile subunit deficiency. Last evaluated: 2018-01-12. Review status: criteria provided, single submitter. Criteria: ICSL Variant Classification Criteria 13 December 2019. Collection method: clinical testing. Allele origin: germline.